The following is an entry in ClinVar:

NM_023067.4(FOXL2):c.982del (p.Ala328fs)

Gene: FOXL2 (forkhead box L2; minus strand). Cytogenetic location: 3q22.3.
Variant type: Deletion.
Coding change: c.982del on transcript NM_023067.4 (MANE Select); coding-DNA position 982, one base deleted (G; older notation c.982delG).
Protein change: p.Ala328fs; shifts the reading frame from alanine 328.
Molecular consequence: frameshift variant.
Genome position (GRCh38, 1-based): chr3:138,945,741, C deleted on the plus strand (G on the coding strand, the reverse complement: FOXL2 is on the minus strand). VCF-style (leftmost placement, unchanged base first): chr3-138945740-GC-G. GRCh37 (hg19) VCF-style: chr3-138664582-GC-G.
Other names: short protein forms A328fs.
Identifiers: ClinVar variation 369937 (VCV000369937.1), dbSNP rs1057516184, ClinGen allele CA10654857.

ClinVar aggregate classification (germline): Pathogenic (1 of 4 stars; one submission).

Conditions:
Blepharophimosis, ptosis, and epicanthus inversus syndrome. Identifiers: Orphanet 126, MedGen C0220663, MONDO:0007201, OMIM 110100.

Submission:

Genomic Diagnostic Laboratory, Division of Genomic Diagnostics, Children's Hospital of Philadelphia
Classification: Pathogenic for Blepharophimosis, ptosis, and epicanthus inversus syndrome. Last evaluated: 2016-11-03. Review status: criteria provided, single submitter. Criteria: DGD Variant Analysis Guidelines. Collection method: clinical testing. Allele origin: germline. Affected: yes. Observed: 1 variant allele.
Comment: Clinical Testing